The following is an entry in ClinVar:

NM_000937.5(POLR2A):c.2977A>G (p.Ile993Val)

Gene: POLR2A (RNA polymerase II subunit A; plus strand). Cytogenetic location: 17p13.1.
Variant type: single nucleotide variant.
Coding change: c.2977A>G on transcript NM_000937.5 (MANE Select); coding-DNA position 2977, A replaced by G.
Protein change: p.Ile993Val; replaces isoleucine 993 with valine.
Molecular consequence: missense variant.
Genome position (GRCh38, 1-based): chr17:7,503,433, A>G. VCF-style: chr17-7503433-A-G. GRCh37 (hg19) VCF-style: chr17-7406752-A-G.
Other names: short protein forms I993V.
Identifiers: ClinVar variation 1712889 (VCV001712889.2), dbSNP rs2508147473, ClinGen allele CA397800754.

ClinVar aggregate classification (germline): Uncertain significance (1 of 4 stars; one submission).

Allele frequency attached by ClinVar (database versions not stated): gnomAD exomes below 0.00001.

Submission:

GeneDx
Classification: Uncertain significance. Last evaluated: 2022-04-25. Review status: criteria provided, single submitter. Criteria: GeneDx Variant Classification Process June 2021. Collection method: clinical testing. Allele origin: germline. Affected: yes.
Comment: Not observed at significant frequency in large population cohorts (gnomAD); In silico analysis supports that this missense variant does not alter protein structure/function; Has not been previously published as pathogenic or benign to our knowledge